The following is an entry in ClinVar:

NM_000238.4(KCNH2):c.1703G>A (p.Trp568Ter)

Gene: KCNH2 (potassium voltage-gated channel subfamily H member 2; minus strand). Cytogenetic location: 7q36.1.
Variant type: single nucleotide variant.
Coding change: c.1703G>A on transcript NM_000238.4 (MANE Select); coding-DNA position 1703, G replaced by A.
Protein change: p.Trp568Ter; replaces tryptophan 568 with a stop codon.
Molecular consequence: nonsense.
Genome position (GRCh38, 1-based): chr7:150,951,690, C>T on the plus strand (G>A on the coding strand, the complement: KCNH2 is on the minus strand). VCF-style: chr7-150951690-C-T. GRCh37 (hg19) VCF-style: chr7-150648778-C-T.
Other names: c.683G>A, p.Trp228Ter (NM_001204798.2, NM_172057.3); c.1415G>A, p.Trp472Ter (NM_001406753.1, NM_001406756.1); c.1526G>A, p.Trp509Ter (NM_001406755.1); c.1403G>A, p.Trp468Ter (NM_001406757.1); c.1703G>A, p.Trp568Ter (NM_172056.3); short protein forms W228*, W568*, W509*, W468*, W472*.
Identifiers: ClinVar variation 2042701 (VCV002042701.5), dbSNP rs1554425880, ClinGen allele CA369858725.

ClinVar aggregate classification (germline): Pathogenic. Review status: criteria provided, multiple submitters, no conflicts (2 of 4 stars). 2 submissions from 2 submitters: Pathogenic (2). Last evaluated 2023-06-01.

Conditions:
Long QT syndrome (LQTS). Identifiers: MedGen C0023976, MeSH D008133, MONDO:0002442. Disease mechanism: loss of function. Inheritance: Various modes of inheritance.
Cardiovascular phenotype. Identifiers: MedGen CN230736.

Submissions (2):

Molecular Diagnostic Laboratory for Inherited Cardiovascular Disease, Montreal Heart Institute
Classification: Pathogenic for Cardiovascular phenotype. Last evaluated: 2023-06-01. Review status: criteria provided, single submitter. Criteria: ACMG Guidelines, 2015. Collection method: clinical testing. Allele origin: germline. Affected: yes.

Labcorp Genetics (formerly Invitae), Labcorp
Classification: Pathogenic for Long QT syndrome. Last evaluated: 2022-10-06. Review status: criteria provided, single submitter. Criteria: Invitae Variant Classification Sherloc (09022015). Collection method: clinical testing. Allele origin: germline.
Comment: This variant has not been reported in the literature in individuals affected with KCNH2-related conditions. This sequence change creates a premature translational stop signal (p.Trp568*) in the KCNH2 gene. It is expected to result in an absent or disrupted protein product. Loss-of-function variants in KCNH2 are known to be pathogenic (PMID: 10973849, 19862833). This variant is not present in population databases (gnomAD no frequency). For these reasons, this variant has been classified as Pathogenic.

Literature cited by the submitters: PubMed 10973849 (cited by Labcorp Genetics (formerly Invitae), Labcorp); PubMed 19862833 (cited by Labcorp Genetics (formerly Invitae), Labcorp).